The following is an entry in ClinVar:

ClinVar aggregate classification (germline): Uncertain significance (1 of 4 stars; one submission).

gnomAD v4.1: 1 of 1,613,112 alleles (0.000062%); highest among the groups gnomAD compares: Non-Finnish European, 0.000085%; no homozygotes.

Submission:

Ambry Genetics
Classification: Uncertain significance. Last evaluated: 2025-11-01. Review status: criteria provided, single submitter. Criteria: Ambry Variant Classification Scheme 2023. Collection method: clinical testing. Allele origin: germline.
Comment: The p.S835F variant (also known as c.2504C>T), located in coding exon 11 of the WNK2 gene, results from a C to T substitution at nucleotide position 2504. The serine at codon 835 is replaced by phenylalanine, an amino acid with highly dissimilar properties. This amino acid position is conserved. In addition, the in silico prediction for this alteration is inconclusive. Based on the available evidence, the clinical significance of this variant remains unclear.

NM_006648.4(WNK2):c.2504C>T (p.Ser835Phe)

Gene: WNK2 (WNK lysine deficient protein kinase 2; plus strand). Cytogenetic location: 9q22.31.
Variant type: single nucleotide variant.
Coding change: c.2504C>T on transcript NM_006648.4 (MANE Select); coding-DNA position 2504, C replaced by T.
Protein change: p.Ser835Phe; replaces serine 835 with phenylalanine.
Molecular consequence: missense variant.
Genome position (GRCh38, 1-based): chr9:93,259,052, C>T. VCF-style: chr9-93259052-C-T. GRCh37 (hg19) VCF-style: chr9-96021334-C-T.
Other names: c.2504C>T, p.Ser835Phe (NM_001282394.3); short protein forms S835F.
Identifiers: ClinVar variation 4605325 (VCV004605325.1).